The following is an entry in ClinVar:

ClinVar aggregate classification (germline): Uncertain significance. Review status: criteria provided, multiple submitters, no conflicts (2 of 4 stars). 2 submissions from 2 submitters: Uncertain significance (2). Last evaluated 2018-04-22.

Conditions:
Autosomal recessive primary immunodeficiency with defective spontaneous natural killer cell cytotoxicity. Also called: Immunodeficiency 20. Identifiers: Orphanet 437552, MedGen C3810342, MONDO:0014313, OMIM 615707.

Allele frequency attached by ClinVar (database versions not stated): gnomAD 0.00008 and 0.00006; TOPMed 0.00008; 1000 Genomes Project 30x 0.00016.
gnomAD v4.1: 54 of 841,978 alleles (0.0064%); highest among the groups gnomAD compares: Middle Eastern, 0.26%; 1 homozygote.

Submissions (2):

Baylor Genetics
Classification: Uncertain significance for Autosomal recessive primary immunodeficiency with defective spontaneous natural killer cell cytotoxicity. Last evaluated: 2018-04-22. Review status: criteria provided, single submitter. Criteria: ACMG Guidelines, 2015. Collection method: clinical testing. Allele origin: unknown. Affected: yes.
Comment: This variant was determined to be of uncertain significance according to ACMG Guidelines, 2015 [PMID:25741868].

Breakthrough Genomics
Classification: Uncertain significance. Review status: criteria provided, single submitter. Criteria: ACMG Guidelines, 2015. Collection method: not provided. Allele origin: germline. Inheritance: Autosomal recessive inheritance. Affected: yes.

NM_001127593.1(FCGR3A):c.-62-192T>C

Gene: FCGR3A (Fc gamma receptor IIIa; minus strand). Cytogenetic location: 1q23.3.
Variant type: single nucleotide variant.
Coding change: c.-62-192T>C on transcript NM_001127593.1; 192 bases into the intron before 62 bases upstream of the start codon, T replaced by C.
Molecular consequence: intron variant. On other transcripts: missense variant (2).
Genome position (GRCh38, 1-based): chr1:161,549,990, A>G on the plus strand (T>C on the coding strand, the complement: FCGR3A is on the minus strand). VCF-style: chr1-161549990-A-G. GRCh37 (hg19) VCF-style: chr1-161519780-A-G.
Other names: c.62T>C, p.Phe21Ser (NM_001127592.2, NM_001329122.1); c.-44-210T>C (NM_001386450.1, NM_001329120.2, NM_001127596.2 and 1 more transcripts); short protein forms F21S.
Identifiers: ClinVar variation 1034274 (VCV001034274.4), dbSNP rs1003462350, ClinGen allele CA31665356.
Genomic context (GRCh38, chr1:161,549,990, plus strand): 5'-GGACCAGGAAGGAAAGAGCCTGGAGGCAAGGTGGGTGGGTCTGCCCCCTTTACTCCCTCA[A>G]AGGTCTGTGGCTGAGCATCTGAGGACACACACAGAATCTGCCAGAGTGTGCCCTCAGCCA-3'